The following is an entry in ClinVar:

NM_004646.4(NPHS1):c.796G>A (p.Val266Met)

Gene: NPHS1 (NPHS1 adhesion molecule, nephrin; minus strand). Cytogenetic location: 19q13.12.
Variant type: single nucleotide variant.
Coding change: c.796G>A on transcript NM_004646.4 (MANE Select); coding-DNA position 796, G replaced by A.
Protein change: p.Val266Met; replaces valine 266 with methionine.
Molecular consequence: missense variant.
Genome position (GRCh38, 1-based): chr19:35,849,280, C>T on the plus strand (G>A on the coding strand, the complement: NPHS1 is on the minus strand). VCF-style: chr19-35849280-C-T. GRCh37 (hg19) VCF-style: chr19-36340182-C-T.
Other names: short protein forms V266M.
Identifiers: ClinVar variation 2148753 (VCV002148753.7), dbSNP rs755132744, ClinGen allele CA9390653.

ClinVar aggregate classification (germline): Conflicting classifications of pathogenicity. Review status: criteria provided, conflicting classifications (1 of 4 stars). 3 submissions from 3 submitters: Uncertain significance (1); Likely benign (1). 1 of the submissions does not count toward it. Last evaluated 2025-11-16.

Conditions:
Finnish congenital nephrotic syndrome (NPHS1). Also called: NEPHROTIC SYNDROME, TYPE 1. Identifiers: Orphanet 839, MedGen C0403399, MONDO:0009732, OMIM 256300.
NPHS1-related disorder. Also called: NPHS1-related condition.

Allele frequency attached by ClinVar (database versions not stated): gnomAD 0.00001; TOPMed 0.00003; ExAC 0.00007.
gnomAD v4.1: 43 of 1,613,224 alleles (0.0027%); highest among the groups gnomAD compares: East Asian, 0.056%; no homozygotes.

Submissions (3):

Labcorp Genetics (formerly Invitae), Labcorp
Classification: Likely benign. Last evaluated: 2025-11-16. Review status: criteria provided, single submitter. Criteria: Invitae Variant Classification Sherloc (09022015). Collection method: clinical testing. Allele origin: germline.

Fulgent Genetics
Classification: Uncertain significance for Finnish congenital nephrotic syndrome. Last evaluated: 2024-06-18. Review status: criteria provided, single submitter. Criteria: ACMG Guidelines, 2015. Collection method: clinical testing. Allele origin: germline.

PreventionGenetics, part of Exact Sciences
Classification: Uncertain significance for NPHS1-related condition. Last evaluated: 2024-02-08. Review status: no assertion criteria provided. Collection method: clinical testing. Allele origin: germline. Not counted in ClinVar's aggregate classification.
Comment: The NPHS1 c.796G>A variant is predicted to result in the amino acid substitution p.Val266Met. To our knowledge, this variant has not been reported in the literature. This variant is reported in 0.055% of alleles in individuals of East Asian descent in gnomAD. Although we suspect that this variant may be benign, at this time, the clinical significance of this variant is uncertain due to the absence of conclusive functional and genetic evidence.